The following is an entry in ClinVar:

NM_002150.3(HPD):c.199-192del

Genes: TIALD (transcript inducer of AURKA lysosomal degradation; plus strand), HPD (4-hydroxyphenylpyruvate dioxygenase; minus strand), LOC126861662 (MED14-independent group 3 enhancer GRCh37_chr12:122293687-122294886; plus strand). Cytogenetic location: 12q24.31.
Variant type: Deletion.
Coding change: c.199-192del on transcript NM_002150.3 (MANE Select); 192 bases into the intron before coding-DNA position 199, one base deleted (A; older notation c.199-192delA).
Molecular consequence: intron variant.
Genome position (GRCh38, 1-based): chr12:121,856,817, T deleted on the plus strand (A on the coding strand, the reverse complement: HPD is on the minus strand). VCF-style (leftmost placement, unchanged base first): chr12-121856816-CT-C. GRCh37 (hg19) VCF-style: chr12-122294722-CT-C.
Other names: c.82-192del (NM_001171993.2).
Identifiers: ClinVar variation 1691182 (VCV001691182.2), dbSNP rs369717503, ClinGen allele CA244620559.

ClinVar aggregate classification (germline): Likely benign (1 of 4 stars; one submission).

Allele frequency attached by ClinVar (database versions not stated): gnomAD exomes 0.00075; TOPMed 0.00758; 1000 Genomes Project 30x 0.00828; gnomAD 0.00654 and 0.00703; 1000 Genomes Project 0.00699.

Submission:

GeneDx
Classification: Likely benign. Last evaluated: 2021-05-12. Review status: criteria provided, single submitter. Criteria: GeneDx Variant Classification Process June 2021. Collection method: clinical testing. Allele origin: germline. Affected: yes.
Comment: See Variant Classification Assertion Criteria.